The following is an entry in ClinVar:

NM_001369.3(DNAH5):c.3549_3550del (p.Asn1184fs)

Genes: DNAH5 (dynein axonemal heavy chain 5; minus strand), DNAH5-AS1 (DNAH5 antisense RNA 1; plus strand). Cytogenetic location: 5p15.2.
Variant type: Deletion.
Coding change: c.3549_3550del on transcript NM_001369.3 (MANE Select); coding-DNA positions 3549 to 3550, 2 bases deleted (TA; older notation c.3549_3550delTA).
Protein change: p.Asn1184fs; shifts the reading frame from asparagine 1184.
Molecular consequence: frameshift variant.
Genome position (GRCh38, 1-based): chr5:13,871,612-13,871,613, TA deleted on the plus strand (TA on the coding strand, the reverse complement: DNAH5 is on the minus strand). VCF-style (leftmost placement, unchanged base first): chr5-13871611-TTA-T. GRCh37 (hg19) VCF-style: chr5-13871720-TTA-T.
Other names: short protein forms N1184fs.
Identifiers: ClinVar variation 3033176 (VCV003033176.2), dbSNP rs2546999694, ClinGen allele CA2740091699.

ClinVar aggregate classification (germline): Pathogenic (0 of 4 stars; one submission).

Conditions:
DNAH5-related disorder. Also called: DNAH5-related condition.

Submission:

PreventionGenetics, part of Exact Sciences
Classification: Pathogenic for DNAH5-related condition. Last evaluated: 2023-11-09. Review status: no assertion criteria provided. Collection method: clinical testing. Allele origin: germline.
Comment: The DNAH5 c.3549_3550delTA variant is predicted to result in a frameshift and premature protein termination (p.Asn1184Cysfs*2). To our knowledge, this variant has not been reported in the literature or in a large population database, indicating this variant is rare. Frameshift variants in DNAH5 are expected to be pathogenic. This variant is interpreted as pathogenic.